The following is an entry in ClinVar:

ClinVar aggregate classification (germline): Benign (1 of 4 stars; one submission).

Allele frequency attached by ClinVar (database versions not stated): gnomAD 0.10121 and 0.10807; TOPMed 0.10895; gnomAD exomes 0.13789; 1000 Genomes Project 30x 0.14382; 1000 Genomes Project 0.14776.
gnomAD v4.1: 82,636 of 632,440 alleles (13%); highest among the groups gnomAD compares: East Asian, 28%; 6,472 homozygotes.

Submission:

GeneDx
Classification: Benign. Last evaluated: 2018-06-16. Review status: criteria provided, single submitter. Criteria: GeneDx Variant Classification (06012015). Collection method: clinical testing. Allele origin: germline. Affected: yes.
Comment: This variant is considered likely benign or benign based on one or more of the following criteria: it is a conservative change, it occurs at a poorly conserved position in the protein, it is predicted to be benign by multiple in silico algorithms, and/or has population frequency not consistent with disease.

NM_016203.4(PRKAG2):c.1006-121G>A

Gene: PRKAG2 (protein kinase AMP-activated non-catalytic subunit gamma 2; minus strand). Cytogenetic location: 7q36.1.
Variant type: single nucleotide variant.
Coding change: c.1006-121G>A on transcript NM_016203.4 (MANE Select); 121 bases into the intron before coding-DNA position 1006, G replaced by A.
Molecular consequence: intron variant.
Genome position (GRCh38, 1-based): chr7:151,572,830, C>T on the plus strand (G>A on the coding strand, the complement: PRKAG2 is on the minus strand). VCF-style: chr7-151572830-C-T. GRCh37 (hg19) VCF-style: chr7-151269916-C-T.
Other names: c.874-121G>A (NM_001040633.2); c.631-121G>A (NM_001304527.2); c.634-121G>A (NM_001363698.2); c.283-121G>A (NM_001304531.2, NM_024429.2).
Identifiers: ClinVar variation 674539 (VCV000674539.1), dbSNP rs73156285, ClinGen allele CA12488855.